The following is an entry in ClinVar:

ClinVar aggregate classification (germline): Pathogenic/Likely pathogenic. Review status: criteria provided, multiple submitters, no conflicts (2 of 4 stars). 2 submissions from 2 submitters: Pathogenic (1); Likely pathogenic (1). Last evaluated 2020-07-31.

Conditions:
Coffin-Lowry syndrome (CLS). Also called: COFFIN-LOWRY SYNDROME, MILD; Mental retardation with osteocartilaginous abnormalities. Identifiers: Orphanet 192, MedGen C0265252, MONDO:0010561, OMIM 303600.

Submissions (2):

Women's Health and Genetics/Laboratory Corporation of America, LabCorp
Classification: Likely pathogenic for Coffin-Lowry syndrome. Last evaluated: 2020-07-31. Review status: criteria provided, single submitter. Criteria: LabCorp Variant Classification Summary - May 2015. Collection method: clinical testing. Allele origin: germline.
Comment: Variant summary: RPS6KA3 c.212T>G (p.Leu71X) results in a premature termination codon, predicted to cause a truncation of the encoded protein or absence of the protein due to nonsense mediated decay, which are commonly known mechanisms for disease. The variant was absent in 183190 control chromosomes. To our knowledge, no occurrence of c.212T>G in individuals affected with Coffin-Lowry Syndrome and no experimental evidence demonstrating its impact on protein function have been reported. No clinical diagnostic laboratories have submitted clinical-significance assessments for this variant to ClinVar after 2014. Based on the evidence outlined above, the variant was classified as likely pathogenic.

Genetic Services Laboratory, University of Chicago
Classification: Pathogenic. Last evaluated: 2018-12-26. Review status: criteria provided, single submitter. Criteria: ACMG Guidelines, 2015. Collection method: clinical testing. Allele origin: germline. Affected: yes.
Comment: DNA sequence analysis of the RPS6KA3 gene demonstrated a sequence change in exon 3, c.212T>G, which results in the creation of a premature stop codon at amino acid position 71, p.Leu71*. This pathogenic sequence change is predicted to result in an abnormal transcript, which may be degraded, or may lead to the production of a truncated RPS6KA3 protein with potentially abnormal function. This sequence change is located in a protein domain where other truncating mutations have been previously reported in patients with Coffin-Lowry syndrome. This sequence change has not been observed in population databases (ExAc, gnomAD).

NM_004586.3(RPS6KA3):c.212T>G (p.Leu71Ter)

Gene: RPS6KA3 (ribosomal protein S6 kinase A3; minus strand). Cytogenetic location: Xp22.12.
Variant type: single nucleotide variant.
Coding change: c.212T>G on transcript NM_004586.3 (MANE Select); coding-DNA position 212, T replaced by G.
Protein change: p.Leu71Ter; replaces leucine 71 with a stop codon.
Molecular consequence: nonsense.
Genome position (GRCh38, 1-based): chrX:20,209,319, A>C on the plus strand (T>G on the coding strand, the complement: RPS6KA3 is on the minus strand). VCF-style: chrX-20209319-A-C. GRCh37 (hg19) VCF-style: chrX-20227437-A-C.
Other names: short protein forms L71*.
Identifiers: ClinVar variation 974962 (VCV000974962.5), dbSNP rs2068650679, ClinGen allele CA412512919.